The following is an entry in ClinVar:

ClinVar aggregate classification (germline): Uncertain significance (1 of 4 stars; one submission).

Allele frequency attached by ClinVar (database versions not stated): gnomAD exomes below 0.00001.
gnomAD v4.1: 1 of 1,613,810 alleles (0.000062%); highest among the groups gnomAD compares: Admixed American, 0.0017%; no homozygotes.

Submission:

Labcorp Genetics (formerly Invitae), Labcorp
Classification: Uncertain significance. Last evaluated: 2022-08-21. Review status: criteria provided, single submitter. Criteria: Invitae Variant Classification Sherloc (09022015). Collection method: clinical testing. Allele origin: germline.
Comment: Algorithms developed to predict the effect of missense changes on protein structure and function are either unavailable or do not agree on the potential impact of this missense change (SIFT: "Deleterious"; PolyPhen-2: "Benign"; Align-GVGD: "Class C0"). In summary, the available evidence is currently insufficient to determine the role of this variant in disease. Therefore, it has been classified as a Variant of Uncertain Significance. This sequence change replaces valine, which is neutral and non-polar, with aspartic acid, which is acidic and polar, at codon 1817 of the VCAN protein (p.Val1817Asp). This variant is not present in population databases (gnomAD no frequency). This variant has not been reported in the literature in individuals affected with VCAN-related conditions.

NM_004385.5(VCAN):c.5450T>A (p.Val1817Asp)

Genes: VCAN (versican; plus strand), VCAN-AS1 (VCAN antisense RNA 1; minus strand). Cytogenetic location: 5q14.3.
Variant type: single nucleotide variant.
Coding change: c.5450T>A on transcript NM_004385.5 (MANE Select); coding-DNA position 5450, T replaced by A.
Protein change: p.Val1817Asp; replaces valine 1817 with aspartic acid.
Molecular consequence: missense variant. On other transcripts: intron variant (2).
Genome position (GRCh38, 1-based): chr5:83,538,453, T>A. VCF-style: chr5-83538453-T-A. GRCh37 (hg19) VCF-style: chr5-82834272-T-A.
Other names: c.2489T>A, p.Val830Asp (NM_001164097.2); c.4004-7084T>A (NM_001164098.2); c.1043-7084T>A (NM_001126336.3); short protein forms V1817D, V830D.
Identifiers: ClinVar variation 1966664 (VCV001966664.5), dbSNP rs2479108423, ClinGen allele CA360310440.